The following is an entry in ClinVar:

ClinVar aggregate classification (germline): Likely benign. Review status: criteria provided, multiple submitters, no conflicts (2 of 4 stars). 2 submissions from 2 submitters: Likely benign (2). Last evaluated 2026-02-01.

Allele frequency attached by ClinVar (database versions not stated): ESP Exome Variant Server 0.00015; ExAC 0.00018; gnomAD exomes 0.00021 and 0.00034; gnomAD 0.00027 and 0.00029; TOPMed 0.00034.
gnomAD v4.1: 542 of 1,613,916 alleles (0.034%); highest among the groups gnomAD compares: Non-Finnish European, 0.042%; 1 homozygote.

Submissions (2):

CeGaT Center for Human Genetics Tuebingen
Classification: Likely benign. Last evaluated: 2026-02-01. Review status: criteria provided, single submitter. Criteria: CeGaT Center For Human Genetics Tuebingen Variant Classification Criteria Version 2. Collection method: clinical testing. Allele origin: germline. Affected: yes. Observed: 2 variant alleles.
Comment: VAC14: BP4, BP7

Labcorp Genetics (formerly Invitae), Labcorp
Classification: Likely benign. Last evaluated: 2026-01-11. Review status: criteria provided, single submitter. Criteria: Invitae Variant Classification Sherloc (09022015). Collection method: clinical testing. Allele origin: germline.

NM_018052.5(VAC14):c.930C>T (p.Tyr310=)

Gene: VAC14 (VAC14 component of PIKFYVE complex; minus strand). Cytogenetic location: 16q22.1.
Variant type: single nucleotide variant.
Coding change: c.930C>T on transcript NM_018052.5 (MANE Select); coding-DNA position 930, C replaced by T.
Protein change: p.Tyr310=; no amino-acid change (tyrosine 310 retained).
Molecular consequence: synonymous variant.
Genome position (GRCh38, 1-based): chr16:70,781,885, G>A on the plus strand (C>T on the coding strand, the complement: VAC14 is on the minus strand). VCF-style: chr16-70781885-G-A. GRCh37 (hg19) VCF-style: chr16-70815788-G-A.
Other names: c.228C>T, p.Tyr76= (NM_001351157.2).
Identifiers: ClinVar variation 742767 (VCV000742767.15), dbSNP rs145425796, ClinGen allele CA8147904.